The following is an entry in ClinVar:

ClinVar aggregate classification (germline): Uncertain significance (1 of 4 stars; one submission).

Conditions:
Orofacial-digital syndrome IV (OFD4). Also called: Orofaciodigital syndrome IV; BARAITSER-BURN SYNDROME; OFD SYNDROME WITH TIBIAL DEFECTS; OFD SYNDROME, BARAITSER-BURN TYPE; OFDS IV; ORAL-FACIAL-DIGITAL SYNDROME, TYPE IV. Identifiers: Orphanet 2753, MedGen C0406727, MONDO:0009794, OMIM 258860.
Joubert syndrome 18 (JBTS18). Identifiers: Orphanet 2754, MedGen C3553758, MONDO:0013896, OMIM 614815.

Allele frequency attached by ClinVar (database versions not stated): gnomAD exomes below 0.00001 and 0.00001; ExAC 0.00001; gnomAD 0.00001; TOPMed 0.00001.
gnomAD v4.1: 8 of 1,613,890 alleles (0.0005%); highest among the groups gnomAD compares: Admixed American, 0.005%; no homozygotes.

Submission:

Labcorp Genetics (formerly Invitae), Labcorp
Classification: Uncertain significance for Joubert syndrome 18; Orofacial-digital syndrome IV. Last evaluated: 2018-11-24. Review status: criteria provided, single submitter. Criteria: Invitae Variant Classification Sherloc (09022015). Collection method: clinical testing. Allele origin: germline.
Comment: Algorithms developed to predict the effect of sequence changes on RNA splicing suggest that this variant may create or strengthen a splice site, but this prediction has not been confirmed by published transcriptional studies. Algorithms developed to predict the effect of missense changes on protein structure and function (SIFT, PolyPhen-2, Align-GVGD) all suggest that this variant is likely to be tolerated, but these predictions have not been confirmed by published functional studies and their clinical significance is uncertain. In summary, the available evidence is currently insufficient to determine the role of this variant in disease. Therefore, it has been classified as a Variant of Uncertain Significance. This variant has not been reported in the literature in individuals with TCTN3-related conditions. This variant is present in population databases (rs762720849, ExAC 0.001%). This sequence change replaces asparagine with serine at codon 273 of the TCTN3 protein (p.Asn273Ser). The asparagine residue is moderately conserved and there is a small physicochemical difference between asparagine and serine.

NM_015631.6(TCTN3):c.818A>G (p.Asn273Ser)

Gene: TCTN3 (tectonic family member 3; minus strand). Cytogenetic location: 10q24.1.
Variant type: single nucleotide variant.
Coding change: c.818A>G on transcript NM_015631.6 (MANE Select); coding-DNA position 818, A replaced by G.
Protein change: p.Asn273Ser; replaces asparagine 273 with serine.
Molecular consequence: missense variant.
Genome position (GRCh38, 1-based): chr10:95,687,078, T>C on the plus strand (A>G on the coding strand, the complement: TCTN3 is on the minus strand). VCF-style: chr10-95687078-T-C. GRCh37 (hg19) VCF-style: chr10-97446835-T-C.
Other names: c.581A>G, p.Asn194Ser (NM_001143973.2); short protein forms N194S, N273S.
Identifiers: ClinVar variation 646358 (VCV000646358.8), dbSNP rs762720849, ClinGen allele CA5621058.